The following is an entry in ClinVar:

ClinVar aggregate classification (germline): Likely benign (0 of 4 stars; one submission).

Conditions:
KIDINS220-related disorder. Also called: KIDINS220-related condition.

gnomAD v4.1: 9 of 1,487,116 alleles (0.00061%); highest among the groups gnomAD compares: African/African-American, 0.0097%; no homozygotes.

Submission:

PreventionGenetics, part of Exact Sciences
Classification: Likely benign for KIDINS220-related condition. Last evaluated: 2022-11-21. Review status: no assertion criteria provided. Collection method: clinical testing. Allele origin: germline.
Comment: This variant is classified as likely benign based on ACMG/AMP sequence variant interpretation guidelines (Richards et al. 2015 PMID: 25741868, with internal and published modifications).

NM_020738.4(KIDINS220):c.-6G>A

Gene: KIDINS220 (kinase D interacting substrate 220; minus strand). Cytogenetic location: 2p25.1.
Variant type: single nucleotide variant.
Coding change: c.-6G>A on transcript NM_020738.4 (MANE Select); 6 bases upstream of the start codon, G replaced by A.
Molecular consequence: 5 prime UTR variant. On other transcripts: non-coding transcript variant (2).
Genome position (GRCh38, 1-based): chr2:8,827,099, C>T on the plus strand (G>A on the coding strand, the complement: KIDINS220 is on the minus strand). VCF-style: chr2-8827099-C-T. GRCh37 (hg19) VCF-style: chr2-8967229-C-T.
Other names: c.-6G>A (NM_001348729.2, NM_001348731.2, NM_001348732.2 and 9 more transcripts); c.-303G>A (NM_001348736.2).
Identifiers: ClinVar variation 3352437 (VCV003352437.1).
Genomic context (GRCh38, chr2:8,827,099, plus strand): 5'-GAATGTTTTCTTCCTCTACATAATTTATGACGCTCTGTGATATCAAAACTGACATTTTCA[C>T]AGAAAGCTGCAATTAACTTTATTTGAATACCTGTTAAATTAGACAAAATACACATAATTT-3'